The following is an entry in ClinVar:

NM_004360.5(CDH1):c.1937-37C>G

Gene: CDH1 (cadherin 1; plus strand). Cytogenetic location: 16q22.1.
Variant type: single nucleotide variant.
Coding change: c.1937-37C>G on transcript NM_004360.5 (MANE Select); 37 bases into the intron before coding-DNA position 1937, C replaced by G.
Molecular consequence: intron variant.
Genome position (GRCh38, 1-based): chr16:68,823,362, C>G. VCF-style: chr16-68823362-C-G. GRCh37 (hg19) VCF-style: chr16-68857265-C-G.
Other names: c.389-37C>G (NM_001317185.2); c.-29-37C>G (NM_001317186.2); c.1754-37C>G (NM_001317184.2).
Identifiers: ClinVar variation 2502984 (VCV002502984.2), dbSNP rs377716415, ClinGen allele CA8130171.

ClinVar aggregate classification (germline): Conflicting classifications of pathogenicity. Review status: criteria provided, conflicting classifications (1 of 4 stars). 2 submissions from 2 submitters: Uncertain significance (1); Likely benign (1). Last evaluated 2025-12-29.

Conditions:
Hereditary diffuse gastric adenocarcinoma (HDGC). Also called: DIFFUSE GASTRIC AND LOBULAR BREAST CANCER SYNDROME. Identifiers: Orphanet 26106, MedGen C1708349, MONDO:0007648, OMIM 137215.

Allele frequency attached by ClinVar (database versions not stated): ExAC 0.00004; TOPMed 0.00006; gnomAD 0.00007; ESP Exome Variant Server 0.00015.
gnomAD v4.1: 191 of 1,422,308 alleles (0.013%); highest among the groups gnomAD compares: Non-Finnish European, 0.019%; no homozygotes.

Submissions (2):

Center for Genomic Medicine, Rigshospitalet, Copenhagen University Hospital
Classification: Likely benign. Last evaluated: 2025-12-29. Review status: criteria provided, single submitter. Criteria: ACMG Guidelines, 2015. Collection method: clinical testing. Allele origin: germline.

European Reference Network on Genetic Tumour Risk Syndromes (ERN-GENTURIS), i3s - Instituto de Investigação e Inovação em Saúde, University of Porto
Classification: Uncertain significance for Hereditary diffuse gastric adenocarcinoma. Last evaluated: 2022-08-01. Review status: criteria provided, single submitter. Criteria: Lee et al. (Hum Mutat. 2018). Collection method: clinical testing. Allele origin: germline. Inheritance: Autosomal dominant inheritance. Affected: no. Study: ERN GENTURIS.
Comment: Not applicable criteria (PMID: 30311375)

Literature cited by the submitters: PubMed 36436516 (cited by Center for Genomic Medicine, Rigshospitalet, Copenhagen University Hospital and European Reference Network on Genetic Tumour Risk Syndromes (ERN-GENTURIS), i3s - Instituto de Investigação e Inovação em Saúde, University of Porto).